The following is an entry in ClinVar:

NM_000388.4(CASR):c.493G>A (p.Val165Ile)

Gene: CASR (calcium sensing receptor; plus strand). Cytogenetic location: 3q21.1.
Variant type: single nucleotide variant.
Coding change: c.493G>A on transcript NM_000388.4 (MANE Select); coding-DNA position 493, G replaced by A.
Protein change: p.Val165Ile; replaces valine 165 with isoleucine.
Molecular consequence: missense variant.
Genome position (GRCh38, 1-based): chr3:122,261,528, G>A. VCF-style: chr3-122261528-G-A. GRCh37 (hg19) VCF-style: chr3-121980375-G-A.
Other names: c.493G>A, p.Val165Ile (NM_001178065.2); short protein forms V165I.
Identifiers: ClinVar variation 2169713 (VCV002169713.4), dbSNP rs1411829219, ClinGen allele CA354150705.

ClinVar aggregate classification (germline): Uncertain significance (1 of 4 stars; one submission).

Conditions:
Autosomal dominant hypocalcemia 1 (HYPOC1). Also called: HYPOCALCEMIA, FAMILIAL. Identifiers: MedGen C3715128, MONDO:0011013, OMIM 601198.
Familial hypocalciuric hypercalcemia (FHH). Also called: Familial benign hypercalcemia. Identifiers: Orphanet 405, MedGen C1809471, MONDO:0018458.

Allele frequency attached by ClinVar (database versions not stated): TOPMed 0.00001.

Submission:

Labcorp Genetics (formerly Invitae), Labcorp
Classification: Uncertain significance for Familial hypocalciuric hypercalcemia; Autosomal dominant hypocalcemia 1. Last evaluated: 2022-08-23. Review status: criteria provided, single submitter. Criteria: Invitae Variant Classification Sherloc (09022015). Collection method: clinical testing. Allele origin: germline.
Comment: This sequence change replaces valine, which is neutral and non-polar, with isoleucine, which is neutral and non-polar, at codon 165 of the CASR protein (p.Val165Ile). This variant is not present in population databases (gnomAD no frequency). This variant has not been reported in the literature in individuals affected with CASR-related conditions. Algorithms developed to predict the effect of missense changes on protein structure and function (SIFT, PolyPhen-2, Align-GVGD) all suggest that this variant is likely to be tolerated. In summary, the available evidence is currently insufficient to determine the role of this variant in disease. Therefore, it has been classified as a Variant of Uncertain Significance.